The following is an entry in ClinVar:

NM_001127198.5(TMC6):c.1031T>C (p.Leu344Pro)

Gene: TMC6 (transmembrane channel like 6; minus strand). Cytogenetic location: 17q25.3.
Variant type: single nucleotide variant.
Coding change: c.1031T>C on transcript NM_001127198.5 (MANE Select); coding-DNA position 1031, T replaced by C.
Protein change: p.Leu344Pro; replaces leucine 344 with proline.
Molecular consequence: missense variant. On other transcripts: non-coding transcript variant (4).
Genome position (GRCh38, 1-based): chr17:78,124,040, A>G on the plus strand (T>C on the coding strand, the complement: TMC6 is on the minus strand). VCF-style: chr17-78124040-A-G. GRCh37 (hg19) VCF-style: chr17-76120121-A-G.
Other names: c.1031T>C, p.Leu344Pro (NM_007267.7, NM_001321185.1, NM_001374593.1 and 4 more transcripts); short protein forms L344P.
Identifiers: ClinVar variation 2102938 (VCV002102938.4), dbSNP rs2074567345, ClinGen allele CA401231970.

ClinVar aggregate classification (germline): Uncertain significance (1 of 4 stars; one submission).

Conditions:
Epidermodysplasia verruciformis. Identifiers: Orphanet 302, MedGen C0014522, MONDO:0009176.

Submission:

Labcorp Genetics (formerly Invitae), Labcorp
Classification: Uncertain significance for Epidermodysplasia verruciformis. Last evaluated: 2022-02-24. Review status: criteria provided, single submitter. Criteria: Invitae Variant Classification Sherloc (09022015). Collection method: clinical testing. Allele origin: germline.
Comment: In summary, the available evidence is currently insufficient to determine the role of this variant in disease. Therefore, it has been classified as a Variant of Uncertain Significance. Algorithms developed to predict the effect of missense changes on protein structure and function are either unavailable or do not agree on the potential impact of this missense change (SIFT: "Not Available"; PolyPhen-2: "Probably Damaging"; Align-GVGD: "Not Available"). This variant has not been reported in the literature in individuals affected with TMC6-related conditions. This variant is not present in population databases (gnomAD no frequency). This sequence change replaces leucine, which is neutral and non-polar, with proline, which is neutral and non-polar, at codon 344 of the TMC6 protein (p.Leu344Pro).